The following is an entry in ClinVar:

ClinVar aggregate classification (germline): Uncertain significance. Review status: criteria provided, multiple submitters, no conflicts (2 of 4 stars). 2 submissions from 2 submitters: Uncertain significance (2). Last evaluated 2025-09-29.

Conditions:
Aortic aneurysm, familial thoracic 7 (AAT7). Also called: AORTIC DISSECTION, FAMILIAL, WITH OR WITHOUT AORTIC ANEURYSM. Identifiers: MedGen C3151077, MONDO:0013418, OMIM 613780.
Familial thoracic aortic aneurysm and aortic dissection (TAAD). Also called: Thoracic aortic aneurysms and dissections. Identifiers: Orphanet 91387, MedGen C4707243, MONDO:0019625.

Allele frequency attached by ClinVar (database versions not stated): gnomAD exomes 0.00001; ExAC 0.00002; ESP Exome Variant Server 0.00008.
gnomAD v4.1: 13 of 1,613,916 alleles (0.00081%); highest among the groups gnomAD compares: Non-Finnish European, 0.0011%; no homozygotes.

Submissions (2):

Labcorp Genetics (formerly Invitae), Labcorp
Classification: Uncertain significance for Aortic aneurysm, familial thoracic 7. Last evaluated: 2025-09-29. Review status: criteria provided, single submitter. Criteria: Invitae Variant Classification Sherloc (09022015). Collection method: clinical testing. Allele origin: germline.
Comment: This sequence change replaces serine, which is neutral and polar, with phenylalanine, which is neutral and non-polar, at codon 1182 of the MYLK protein (p.Ser1182Phe). This variant is present in population databases (rs372251565, gnomAD 0.007%). This variant has not been reported in the literature in individuals affected with MYLK-related conditions. ClinVar contains an entry for this variant (Variation ID: 409705). Invitae Evidence Modeling of protein sequence and biophysical properties (such as structural, functional, and spatial information, amino acid conservation, physicochemical variation, residue mobility, and thermodynamic stability) indicates that this missense variant is not expected to disrupt MYLK protein function with a negative predictive value of 80%. In summary, the available evidence is currently insufficient to determine the role of this variant in disease. Therefore, it has been classified as a Variant of Uncertain Significance.

Ambry Genetics
Classification: Uncertain significance for Familial thoracic aortic aneurysm and aortic dissection. Last evaluated: 2022-12-23. Review status: criteria provided, single submitter. Criteria: Ambry Variant Classification Scheme 2023. Collection method: clinical testing. Allele origin: germline.
Comment: The p.S1182F variant (also known as c.3545C>T), located in coding exon 16 of the MYLK gene, results from a C to T substitution at nucleotide position 3545. The serine at codon 1182 is replaced by phenylalanine, an amino acid with highly dissimilar properties. This amino acid position is conserved. In addition, this alteration is predicted to be tolerated by in silico analysis. Since supporting evidence is limited at this time, the clinical significance of this alteration remains unclear.

NM_053025.4(MYLK):c.3545C>T (p.Ser1182Phe)

Gene: MYLK (myosin light chain kinase; minus strand). Cytogenetic location: 3q21.1.
Variant type: single nucleotide variant.
Coding change: c.3545C>T on transcript NM_053025.4 (MANE Select); coding-DNA position 3545, C replaced by T.
Protein change: p.Ser1182Phe; replaces serine 1182 with phenylalanine.
Molecular consequence: missense variant.
Genome position (GRCh38, 1-based): chr3:123,692,755, G>A on the plus strand (C>T on the coding strand, the complement: MYLK is on the minus strand). VCF-style: chr3-123692755-G-A. GRCh37 (hg19) VCF-style: chr3-123411602-G-A.
Other names: c.3017C>T, p.Ser1006Phe (NM_001321309.2); c.3338C>T, p.Ser1113Phe (NM_053026.4, NM_053028.4); c.3545C>T, p.Ser1182Phe (NM_053027.4); short protein forms S1182F, S1006F, S1113F.
Identifiers: ClinVar variation 409705 (VCV000409705.10), dbSNP rs372251565, ClinGen allele CA069769.